The following is an entry in ClinVar:

NM_000213.5(ITGB4):c.3474+6G>T

Gene: ITGB4 (integrin subunit beta 4; plus strand). Cytogenetic location: 17q25.1.
Variant type: single nucleotide variant.
Coding change: c.3474+6G>T on transcript NM_000213.5 (MANE Select); 6 bases into the intron after coding-DNA position 3474, G replaced by T.
Molecular consequence: intron variant.
Genome position (GRCh38, 1-based): chr17:75,750,274, G>T. VCF-style: chr17-75750274-G-T. GRCh37 (hg19) VCF-style: chr17-73746355-G-T.
Other names: c.3474+6G>T (NM_001005619.2, NM_001005731.3, NM_001438834.1 and 1 more transcripts).
Identifiers: ClinVar variation 4990100 (VCV004990100.1).

ClinVar aggregate classification (germline): Likely benign (1 of 4 stars; one submission).

Conditions:
ITGB4-related disorder. Also called: ITGB4-related condition.

gnomAD v4.1: 8 of 1,607,432 alleles (0.0005%); highest among the groups gnomAD compares: Non-Finnish European, 0.00017%; no homozygotes.

Submission:

PreventionGenetics, part of Exact Sciences
Classification: Likely benign for ITGB4-related condition. Last evaluated: 2025-07-02. Review status: criteria provided, single submitter. Criteria: ACMG Guidelines, 2015. Collection method: clinical testing. Allele origin: germline.
Comment: This variant is classified as likely benign based on ACMG/AMP sequence variant interpretation guidelines (Richards et al. 2015 PMID: 25741868, with internal and published modifications).